The following is an entry in ClinVar:

NM_198428.3(BBS9):c.1990G>T (p.Glu664Ter)

Gene: BBS9 (Bardet-Biedl syndrome 9; plus strand). Cytogenetic location: 7p14.3.
Variant type: single nucleotide variant.
Coding change: c.1990G>T on transcript NM_198428.3 (MANE Select); coding-DNA position 1990, G replaced by T.
Protein change: p.Glu664Ter; replaces glutamic acid 664 with a stop codon.
Molecular consequence: nonsense. On other transcripts: non-coding transcript variant (3).
Genome position (GRCh38, 1-based): chr7:33,388,019, G>T. VCF-style: chr7-33388019-G-T. GRCh37 (hg19) VCF-style: chr7-33427631-G-T.
Other names: c.1885G>T, p.Glu629Ter (NM_001033604.2); c.1975G>T, p.Glu659Ter (NM_001033605.2); c.1990G>T, p.Glu664Ter (NM_001348036.1, NM_001348041.4, NM_001348043.3 and 1 more transcripts); c.1624G>T, p.Glu542Ter (NM_001348037.3, NM_001348045.3, NM_001348046.3); c.1717G>T, p.Glu573Ter (NM_001348038.3); c.1612G>T, p.Glu538Ter (NM_001348039.3); c.1870G>T, p.Glu624Ter (NM_001348040.3, NM_014451.4); c.1855G>T, p.Glu619Ter (NM_001348042.3); and 1 more; short protein forms E573*, E507*, E538*, E624*, E629*, E664*, E542*, E619*.
Identifiers: ClinVar variation 3594569 (VCV003594569.3).

ClinVar aggregate classification (germline): Likely pathogenic. Review status: criteria provided, multiple submitters, no conflicts (2 of 4 stars). 2 submissions from 2 submitters: Likely pathogenic (2). Last evaluated 2024-06-13.

Conditions:
Bardet-Biedl syndrome 9 (BBS9). Identifiers: Orphanet 110, MedGen C1859567, MONDO:0014437, OMIM 615986.

Submissions (2):

Fulgent Genetics
Classification: Likely pathogenic for Bardet-Biedl syndrome 9. Last evaluated: 2024-06-13. Review status: criteria provided, single submitter. Criteria: ACMG Guidelines, 2015. Collection method: clinical testing. Allele origin: germline.

Juno Genomics, Hangzhou Juno Genomics, Inc
Classification: Likely pathogenic for Bardet-Biedl syndrome 9. Review status: criteria provided, single submitter. Criteria: ACMG Guidelines, 2015. Collection method: clinical testing. Allele origin: germline.
Comment: Null variant in a gene where loss of function (LOF) is a known mechanism of disease.;Absent from controls (or at extremely low frequency if recessive) in Genome Aggregation Database.